The following is an entry in ClinVar:

ClinVar aggregate classification (germline): Uncertain significance (1 of 4 stars; one submission).

Allele frequency attached by ClinVar (database versions not stated): ExAC 0.00001; gnomAD 0.00001; gnomAD exomes 0.00001.
gnomAD v4.1: 11 of 1,613,784 alleles (0.00068%); highest among the groups gnomAD compares: African/African-American, 0.0093%; no homozygotes.

Submission:

Labcorp Genetics (formerly Invitae), Labcorp
Classification: Uncertain significance. Last evaluated: 2022-07-19. Review status: criteria provided, single submitter. Criteria: Invitae Variant Classification Sherloc (09022015). Collection method: clinical testing. Allele origin: germline.
Comment: This sequence change replaces threonine, which is neutral and polar, with serine, which is neutral and polar, at codon 22 of the SLC24A5 protein (p.Thr22Ser). This variant is present in population databases (rs751629940, gnomAD 0.007%). This variant has not been reported in the literature in individuals affected with SLC24A5-related conditions. Algorithms developed to predict the effect of missense changes on protein structure and function output the following: SIFT: "Tolerated"; PolyPhen-2: "Benign"; Align-GVGD: "Class C0". The serine amino acid residue is found in multiple mammalian species, which suggests that this missense change does not adversely affect protein function. Algorithms developed to predict the effect of sequence changes on RNA splicing suggest that this variant may create or strengthen a splice site. In summary, the available evidence is currently insufficient to determine the role of this variant in disease. Therefore, it has been classified as a Variant of Uncertain Significance.

NM_205850.3(SLC24A5):c.65C>G (p.Thr22Ser)

Gene: SLC24A5 (solute carrier family 24 member 5; plus strand). Cytogenetic location: 15q21.1.
Variant type: single nucleotide variant.
Coding change: c.65C>G on transcript NM_205850.3 (MANE Select); coding-DNA position 65, C replaced by G.
Protein change: p.Thr22Ser; replaces threonine 22 with serine.
Molecular consequence: missense variant.
Genome position (GRCh38, 1-based): chr15:48,121,109, C>G. VCF-style: chr15-48121109-C-G. GRCh37 (hg19) VCF-style: chr15-48413306-C-G.
Other names: short protein forms T22S.
Identifiers: ClinVar variation 1365284 (VCV001365284.3), dbSNP rs751629940, ClinGen allele CA7545742.
Genomic context (GRCh38, chr15:48,121,109, plus strand): 5'-AGACAAAAGGGGGCCAAACATGGGCGAGAAGGGCTCTGTTGCTCGGCATCCTGTGGGCCA[C>G]TGCACATCTGCCTCTCTCAGGGACCTCCCTGCCCCAACGTCTCCCAAGGGCCACAGGTAG-3'
Protein context (NP_995322.1, residues 12-32): RALLLGILWA[Thr22Ser]AHLPLSGTSL